The following is an entry in ClinVar:

NM_000059.4(BRCA2):c.6230A>C (p.Lys2077Thr)

Gene: BRCA2 (BRCA2 DNA repair associated; plus strand). Cytogenetic location: 13q13.1.
Variant type: single nucleotide variant.
Coding change: c.6230A>C on transcript NM_000059.4 (MANE Select); coding-DNA position 6230, A replaced by C.
Protein change: p.Lys2077Thr; replaces lysine 2077 with threonine.
Molecular consequence: missense variant.
Genome position (GRCh38, 1-based): chr13:32,340,585, A>C. VCF-style: chr13-32340585-A-C. GRCh37 (hg19) VCF-style: chr13-32914722-A-C.
Other names: short protein forms K2077T.
Identifiers: ClinVar variation 583056 (VCV000583056.10), dbSNP rs955263930, ClinGen allele CA247513304.
Genomic context (GRCh38, chr13:32,340,585, plus strand): 5'-GATTTAGTACAGCAAGTGGAAAGCAAGTTTCCATTTTAGAAAGTTCCTTACACAAAGTTA[A>C]GGGAGTGTTAGAGGAATTTGATTTAATCAGAACTGAGCATAGTCTTCACTATTCACCTAC-3'
Protein context (NP_000050.3, residues 2067-2087): SILESSLHKV[Lys2077Thr]GVLEEFDLIR

ClinVar aggregate classification (germline): Conflicting classifications of pathogenicity. Review status: criteria provided, conflicting classifications (1 of 4 stars). 3 submissions from 3 submitters: Uncertain significance (2); Likely benign (1). Last evaluated 2025-06-20.

Conditions:
Hereditary breast ovarian cancer syndrome. Also called: Hereditary breast and ovarian cancer syndrome; Hereditary breast and/or ovarian cancer syndrome; Hereditary breast and ovarian cancer syndrome (HBOC); Breast and ovarian cancer; BRCA1- and BRCA2-Associated Hereditary Breast and Ovarian Cancer; Hereditary breast and ovarian cancer. Identifiers: Orphanet 145, MedGen C0677776, MeSH D061325, MONDO:0003582. Disease mechanism: loss of function.
Hereditary cancer-predisposing syndrome. Also called: Neoplastic Syndromes, Hereditary; Hereditary Cancer Syndrome; Tumor predisposition; Hereditary neoplastic syndrome. Identifiers: Orphanet 140162, MedGen C0027672, MeSH D009386, MONDO:0015356.

Allele frequency attached by ClinVar (database versions not stated): gnomAD exomes below 0.00001.
gnomAD v4.1: 1 of 1,610,494 alleles (0.000062%); highest among the groups gnomAD compares: Non-Finnish European, 0.000085%; no homozygotes.

Submissions (3):

Labcorp Genetics (formerly Invitae), Labcorp
Classification: Uncertain significance for Hereditary breast ovarian cancer syndrome. Last evaluated: 2025-06-20. Review status: criteria provided, single submitter. Criteria: Invitae Variant Classification Sherloc (09022015). Collection method: clinical testing. Allele origin: germline.
Comment: This sequence change replaces lysine, which is basic and polar, with threonine, which is neutral and polar, at codon 2077 of the BRCA2 protein (p.Lys2077Thr). This variant is not present in population databases (gnomAD no frequency). This variant has not been reported in the literature in individuals affected with BRCA2-related conditions. ClinVar contains an entry for this variant (Variation ID: 583056). Invitae Evidence Modeling of protein sequence and biophysical properties (such as structural, functional, and spatial information, amino acid conservation, physicochemical variation, residue mobility, and thermodynamic stability) indicates that this missense variant is not expected to disrupt BRCA2 protein function with a negative predictive value of 95%. In summary, the available evidence is currently insufficient to determine the role of this variant in disease. Therefore, it has been classified as a Variant of Uncertain Significance.

Ambry Genetics
Classification: Uncertain significance for Hereditary cancer-predisposing syndrome. Last evaluated: 2023-08-11. Review status: criteria provided, single submitter. Criteria: Ambry Variant Classification Scheme 2023. Collection method: clinical testing. Allele origin: germline.
Comment: The p.K2077T variant (also known as c.6230A>C), located in coding exon 10 of the BRCA2 gene, results from an A to C substitution at nucleotide position 6230. The lysine at codon 2077 is replaced by threonine, an amino acid with similar properties. This amino acid position is well conserved in available vertebrate species. In addition, the in silico prediction for this alteration is inconclusive. Since supporting evidence is limited at this time, the clinical significance of this alteration remains unclear.

University of Washington Department of Laboratory Medicine, University of Washington
Classification: Likely benign for Hereditary cancer-predisposing syndrome. Last evaluated: 2023-03-23. Review status: criteria provided, single submitter. Criteria: Dines et al. (Genet Med. 2020). Collection method: curation. Allele origin: germline.
Comment: Missense variant in a coldspot region where missense variants are very unlikely to be pathogenic (PMID:31911673).

BRCA2 exon 11 coldspot. Reclassification based on statistical prior probability.